The following is an entry in ClinVar:

ClinVar aggregate classification (germline): Uncertain significance (1 of 4 stars; one submission).

Conditions:
Pitt-Hopkins syndrome (PTHS). Also called: ENCEPHALOPATHY, SEVERE EPILEPTIC, WITH AUTONOMIC DYSFUNCTION; MENTAL RETARDATION, SYNDROMAL, WITH INTERMITTENT HYPERVENTILATION. Identifiers: Orphanet 2896, MedGen C1970431, MONDO:0012589, OMIM 610954.

Allele frequency attached by ClinVar (database versions not stated): gnomAD 0.00001; TOPMed 0.00001.
gnomAD v4.1: 2 of 1,613,908 alleles (0.00012%); highest among the groups gnomAD compares: African/African-American, 0.0027%; no homozygotes.

Submission:

Labcorp Genetics (formerly Invitae), Labcorp
Classification: Uncertain significance for Pitt-Hopkins syndrome. Last evaluated: 2021-12-27. Review status: criteria provided, single submitter. Criteria: Invitae Variant Classification Sherloc (09022015). Collection method: clinical testing. Allele origin: germline.
Comment: In summary, the available evidence is currently insufficient to determine the role of this variant in disease. Therefore, it has been classified as a Variant of Uncertain Significance. Algorithms developed to predict the effect of missense changes on protein structure and function are either unavailable or do not agree on the potential impact of this missense change (SIFT: "Deleterious"; PolyPhen-2: "Possibly Damaging"; Align-GVGD: "Class C0"). This variant has not been reported in the literature in individuals affected with TCF4-related conditions. This variant is not present in population databases (gnomAD no frequency). This sequence change replaces proline, which is neutral and non-polar, with threonine, which is neutral and polar, at codon 202 of the TCF4 protein (p.Pro202Thr).

NM_001083962.2(TCF4):c.604C>A (p.Pro202Thr)

Gene: TCF4 (transcription factor 4; minus strand). Cytogenetic location: 18q21.2.
Variant type: single nucleotide variant.
Coding change: c.604C>A on transcript NM_001083962.2 (MANE Select); coding-DNA position 604, C replaced by A.
Protein change: p.Pro202Thr; replaces proline 202 with threonine.
Molecular consequence: missense variant. On other transcripts: 5 prime UTR variant (1).
Genome position (GRCh38, 1-based): chr18:55,279,602, G>T on the plus strand (C>A on the coding strand, the complement: TCF4 is on the minus strand). VCF-style: chr18-55279602-G-T. GRCh37 (hg19) VCF-style: chr18-52946833-G-T.
Other names: c.532C>A, p.Pro178Thr (NM_001306207.1, NM_001348217.1, NM_001348218.2 and 9 more transcripts); c.391C>A, p.Pro131Thr (NM_001306208.1, NM_001243232.1); c.604C>A, p.Pro202Thr (NM_001330604.3, NM_001369567.1, NM_001369568.1 and 4 more transcripts); c.214C>A, p.Pro72Thr (NM_001330605.3, NM_001348212.2, NM_001348213.2 and 1 more transcripts); c.478C>A, p.Pro160Thr (NM_001348211.2, NM_001243231.2); c.124C>A, p.Pro42Thr (NM_001348214.2, NM_001348216.2, NM_001243234.2 and 2 more transcripts); c.-45C>A (NM_001348215.2); c.529C>A, p.Pro177Thr (NM_001348220.1, NM_001369576.1, NM_001369578.1 and 3 more transcripts); and 4 more; short protein forms P160T, P178T, P200T, P208T, P304T, P72T, P131T, P201T.
Identifiers: ClinVar variation 2063212 (VCV002063212.4), dbSNP rs144835402, ClinGen allele CA402701819.